The following is an entry in ClinVar:

NM_006218.4(PIK3CA):c.1541G>T (p.Ser514Ile)

Gene: PIK3CA (phosphatidylinositol-4,5-bisphosphate 3-kinase catalytic subunit alpha; plus strand). Cytogenetic location: 3q26.32.
Variant type: single nucleotide variant.
Coding change: c.1541G>T on transcript NM_006218.4 (MANE Select); coding-DNA position 1541, G replaced by T.
Protein change: p.Ser514Ile; replaces serine 514 with isoleucine.
Molecular consequence: missense variant.
Genome position (GRCh38, 1-based): chr3:179,218,211, G>T. VCF-style: chr3-179218211-G-T. GRCh37 (hg19) VCF-style: chr3-178935999-G-T.
Other names: short protein forms S514I.
Identifiers: ClinVar variation 4136816 (VCV004136816.1).
Genomic context (GRCh38, chr3:179,218,211, plus strand): 5'-AATCCAGAGGGGAAAAATATGACAAAGAAAGCTATATAAGATATTATTTTATTTTACAGA[G>T]TAACAGACTAGCTAGAGACAATGAATTAAGGGAAAATGACAAAGAACAGCTCAAAGCAAT-3'
Protein context (NP_006209.2, residues 504-524): AGFSYSHAGL[Ser514Ile]NRLARDNELR

ClinVar aggregate classification (germline): Uncertain significance (1 of 4 stars; one submission).

Conditions:
Inborn genetic diseases. Identifiers: MedGen C0950123, MeSH D030342.

Submission:

Ambry Genetics
Classification: Uncertain significance for Inborn genetic diseases. Last evaluated: 2025-08-31. Review status: criteria provided, single submitter. Criteria: Ambry Variant Classification Scheme 2023. Collection method: clinical testing. Allele origin: germline.
Comment: The p.S514I variant (also known as c.1541G>T), located in coding exon 9 of the PIK3CA gene, results from a G to T substitution at nucleotide position 1541. The serine at codon 514 is replaced by isoleucine, an amino acid with dissimilar properties. This amino acid position is conserved. In addition, this alteration is predicted to be deleterious by in silico analysis. Based on the available evidence, the clinical significance of this variant remains unclear.